The following is an entry in ClinVar:

NM_000038.6(APC):c.645+2956T>A

Gene: APC (APC regulator of WNT signaling pathway; plus strand). Cytogenetic location: 5q22.2.
Variant type: single nucleotide variant.
Coding change: c.645+2956T>A on transcript NM_000038.6 (MANE Select); 2956 bases into the intron after coding-DNA position 645, T replaced by A.
Molecular consequence: intron variant.
Genome position (GRCh38, 1-based): chr5:112,783,859, T>A. VCF-style: chr5-112783859-T-A. GRCh37 (hg19) VCF-style: chr5-112119556-T-A.
Other names: c.645+2956T>A (NM_001354895.2, NM_001127510.3, NM_001354896.2 and 2 more transcripts); c.675+2956T>A (NM_001354897.2, NM_001354902.2, NM_001127511.3); c.570+2956T>A (NM_001354898.2, NM_001354904.2); c.-391+2956T>A (NM_001354906.2); c.468+2956T>A (NM_001354900.2, NM_001354901.2, NM_001354905.2).
Identifiers: ClinVar variation 82958 (VCV000082958.2), dbSNP rs74649063, ClinGen allele CA011362.

ClinVar aggregate classification (germline): other (0 of 4 stars; one submission).

Conditions:
Familial colorectal cancer. Identifiers: MedGen CN280943, MONDO:0023113. Disease mechanism: loss of function.

Submission:

Systems Biology Platform Zhejiang California International NanoSystems Institute
Classification: other for Familial colorectal cancer. Review status: no assertion criteria provided. Collection method: not provided. Allele origin: unknown.
ClinVar note: Converted during submission from cancer to other.